The following is an entry in ClinVar:

ClinVar aggregate classification (germline): Uncertain significance (1 of 4 stars; one submission).

gnomAD v4.1: 1 of 1,613,918 alleles (0.000062%); highest among the groups gnomAD compares: Non-Finnish European, 0.000085%; no homozygotes.

Submission:

GeneDx
Classification: Uncertain significance. Last evaluated: 2024-05-21. Review status: criteria provided, single submitter. Criteria: GeneDx Variant Classification Process June 2021. Collection method: clinical testing. Allele origin: germline. Affected: yes.
Comment: Not observed at significant frequency in large population cohorts (gnomAD); In silico analysis supports that this missense variant has a deleterious effect on protein structure/function; Has not been previously published as pathogenic or benign to our knowledge

NM_021224.6(ZNF462):c.5531T>C (p.Leu1844Pro)

Gene: ZNF462 (zinc finger protein 462; plus strand). Cytogenetic location: 9q31.2.
Variant type: single nucleotide variant.
Coding change: c.5531T>C on transcript NM_021224.6 (MANE Select); coding-DNA position 5531, T replaced by C.
Protein change: p.Leu1844Pro; replaces leucine 1844 with proline.
Molecular consequence: missense variant. On other transcripts: intron variant (1).
Genome position (GRCh38, 1-based): chr9:106,929,443, T>C. VCF-style: chr9-106929443-T-C. GRCh37 (hg19) VCF-style: chr9-109691724-T-C.
Other names: c.3253-1082T>C (NM_001347997.2); short protein forms L1844P.
Identifiers: ClinVar variation 3381659 (VCV003381659.1).